The following is an entry in ClinVar:

ClinVar aggregate classification (germline): Conflicting classifications of pathogenicity. Review status: criteria provided, conflicting classifications (1 of 4 stars). 4 submissions from 4 submitters: Uncertain significance (2); Likely benign (2). Last evaluated 2025-10-31.

Conditions:
Hereditary sensory neuropathy-deafness-dementia syndrome. Also called: Hereditary sensory neuropathy type IE; HSN IE; NEUROPATHY, HEREDITARY SENSORY, WITH HEARING LOSS AND DEMENTIA; Hereditary Sensory and Autonomic Neuropathy Type 1E (HSAN1E). Identifiers: Orphanet 456318, MedGen C3279885, MONDO:0013584, OMIM 614116.

Allele frequency attached by ClinVar (database versions not stated): gnomAD exomes 0.00006 and 0.00024; ExAC 0.00007; TOPMed 0.00007; gnomAD 0.00009 and 0.00010; ESP Exome Variant Server 0.00015.
gnomAD v4.1: 354 of 1,613,878 alleles (0.022%); highest among the groups gnomAD compares: Non-Finnish European, 0.029%; 1 homozygote.

Submissions (4):

Mayo Clinic Laboratories, Mayo Clinic
Classification: Likely benign. Last evaluated: 2025-10-31. Review status: criteria provided, single submitter. Criteria: ACMG Guidelines, 2015. Collection method: clinical testing. Allele origin: germline. Observed: 1 variant allele.
Comment: BS2, BP4, BP7

Labcorp Genetics (formerly Invitae), Labcorp
Classification: Likely benign for Hereditary sensory neuropathy-deafness-dementia syndrome. Last evaluated: 2025-08-04. Review status: criteria provided, single submitter. Criteria: Invitae Variant Classification Sherloc (09022015). Collection method: clinical testing. Allele origin: germline.

Blueprint Genetics
Classification: Uncertain significance. Last evaluated: 2024-02-15. Review status: criteria provided, single submitter. Criteria: ACMG Guidelines, 2015. Collection method: clinical testing. Allele origin: germline.

Eurofins Ntd Llc (ga)
Classification: Uncertain significance. Last evaluated: 2016-02-04. Review status: criteria provided, single submitter. Criteria: EGL Classification Definitions 2015. Collection method: clinical testing. Allele origin: germline. Observed: 1 variant allele, 1 heterozygote.

NM_001130823.3(DNMT1):c.2721-10T>A

Gene: DNMT1 (DNA methyltransferase 1; minus strand). Cytogenetic location: 19p13.2.
Variant type: single nucleotide variant.
Coding change: c.2721-10T>A on transcript NM_001130823.3 (MANE Select); 10 bases into the intron before coding-DNA position 2721, T replaced by A.
Molecular consequence: intron variant.
Genome position (GRCh38, 1-based): chr19:10,146,534, A>T on the plus strand (T>A on the coding strand, the complement: DNMT1 is on the minus strand). VCF-style: chr19-10146534-A-T. GRCh37 (hg19) VCF-style: chr19-10257210-A-T.
Other names: p.?; c.2721-10T>A (LRG_362t1); c.2358-10T>A (NM_001318731.2); c.2673-10T>A (NM_001379.4, NM_001318730.2).
Identifiers: ClinVar variation 285801 (VCV000285801.15), dbSNP rs377355204, ClinGen allele CA9187947.